The following is an entry in ClinVar:

ClinVar aggregate classification (germline): Likely pathogenic (1 of 4 stars; one submission).

Conditions:
Intellectual developmental disorder, X-linked, syndromic, Claes-Jensen type. Also called: Syndromic X-linked intellectual disability Claes-Jensen type; INTELLECTUAL DEVELOPMENTAL DISORDER, X-LINKED, SYNDROMIC 16; MENTAL RETARDATION, X-LINKED, SYNDROMIC 16. Identifiers: Orphanet 85279, MedGen C1845243, MONDO:0010355, OMIM 300534.

Submission:

Kasturba Medical College, Manipal, Kasturba Medical College, Manipal, Manipal Academy of Higher Education, Manipal, India
Classification: Likely pathogenic for Intellectual developmental disorder, X-linked, syndromic, Claes-Jensen type. Last evaluated: 2026-01-28. Review status: criteria provided, single submitter. Criteria: ACMG Guidelines, 2015. Collection method: research. Allele origin: de novo. Inheritance: X-linked inheritance. Affected: yes.
Comment: The variant is absent in gnomAD (v4.1.0) and in our in-house database of 3851 exomes. This frameshift variant is predicted to lead to shift in reading frame which can either lead to nonsense mediated mRNA decay or formation of a truncated protein product. Individuals with pathogenic variants in KDM5C have been associated to have impaired intellectual development, behavioural issues, seizures, facial dysmorphism, small hands and feet and short stature, with males being more severely affected than females (Lintas et al., 2022).

Literature cited by the submitters: PMC PMC9778367.

NM_004187.5(KDM5C):c.602_603del (p.Val201fs)

Gene: KDM5C (lysine demethylase 5C; minus strand). Cytogenetic location: Xp11.22.
Variant type: Microsatellite.
Coding change: c.602_603del on transcript NM_004187.5 (MANE Select); coding-DNA positions 602 to 603, 2 bases deleted (TG; older notation c.602_603delTG).
Protein change: p.Val201fs; shifts the reading frame from valine 201.
Molecular consequence: frameshift variant. On other transcripts: non-coding transcript variant (3).
Genome position (GRCh38, 1-based): chrX:53,217,197-53,217,198, CA deleted on the plus strand (TG on the coding strand, the reverse complement: KDM5C is on the minus strand); deleting any 2 consecutive bases within chrX:53,217,197-53,217,200 gives the same sequence; the c. name uses the placement nearest the transcript's 3' end. VCF-style (leftmost placement, unchanged base first): chrX-53217196-GCA-G. GRCh37 (hg19) VCF-style: chrX-53246378-GCA-G.
Other names: c.401_402del, p.Val134fs (NM_001146702.2); c.599_600del, p.Val200fs (NM_001282622.3, NM_001353979.2, NM_001353982.2); c.602_603del, p.Val201fs (NM_001353978.3, NM_001353981.2, NM_001353984.2); short protein forms V134fs, V200fs, V201fs.
Identifiers: ClinVar variation 4688034 (VCV004688034.1).